The following is an entry in ClinVar:

ClinVar aggregate classification (germline): Likely benign. Review status: criteria provided, multiple submitters, no conflicts (2 of 4 stars). 2 submissions from 2 submitters: Likely benign (2). Last evaluated 2026-01-16.

Conditions:
UNC45A-related disorder. Also called: UNC45A-related condition.

Allele frequency attached by ClinVar (database versions not stated): gnomAD exomes below 0.00001; TOPMed below 0.00001; gnomAD 0.00001.
gnomAD v4.1: 4 of 1,586,378 alleles (0.00025%); highest among the groups gnomAD compares: Middle Eastern, 0.017%; no homozygotes.

Submissions (2):

PreventionGenetics, part of Exact Sciences
Classification: Likely benign for UNC45A-related condition. Last evaluated: 2026-01-16. Review status: criteria provided, single submitter. Criteria: ACMG Guidelines, 2015. Collection method: clinical testing. Allele origin: germline.
Comment: This variant is classified as likely benign based on ACMG/AMP sequence variant interpretation guidelines (Richards et al. 2015 PMID: 25741868, with internal and published modifications).

Labcorp Genetics (formerly Invitae), Labcorp
Classification: Likely benign. Last evaluated: 2024-02-24. Review status: criteria provided, single submitter. Criteria: Invitae Variant Classification Sherloc (09022015). Collection method: clinical testing. Allele origin: germline.

NM_018671.5(UNC45A):c.52-8C>T

Gene: UNC45A (unc-45 myosin chaperone A; plus strand). Cytogenetic location: 15q26.1.
Variant type: single nucleotide variant.
Coding change: c.52-8C>T on transcript NM_018671.5 (MANE Select); 8 bases into the intron before coding-DNA position 52, C replaced by T.
Molecular consequence: intron variant.
Genome position (GRCh38, 1-based): chr15:90,935,536, C>T. VCF-style: chr15-90935536-C-T. GRCh37 (hg19) VCF-style: chr15-91478766-C-T.
Other names: c.7-8C>T (NM_001039675.2, NM_001323621.2); c.52-8C>T (NM_001323619.1); c.-532-8C>T (NM_001323620.2).
Identifiers: ClinVar variation 1918961 (VCV001918961.6), dbSNP rs1163290386, ClinGen allele CA492171610.